The following is an entry in ClinVar:

ClinVar aggregate classification (germline): Uncertain significance. Review status: criteria provided, multiple submitters, no conflicts (2 of 4 stars). 2 submissions from 2 submitters: Uncertain significance (2). Last evaluated 2025-08-14.

Conditions:
Hereditary pheochromocytoma and paraganglioma. Also called: Hereditary Paraganglioma-Pheochromocytoma Syndromes; Hereditary paragangliomas and pheochromocytomas; Hereditary pheochromocytoma-paraganglioma. Identifiers: Orphanet 29072, MedGen C4274332, MONDO:0017366.
Hereditary cancer-predisposing syndrome. Also called: Neoplastic Syndromes, Hereditary; Hereditary Cancer Syndrome; Tumor predisposition; Hereditary neoplastic syndrome. Identifiers: Orphanet 140162, MedGen C0027672, MeSH D009386, MONDO:0015356.

Submissions (2):

Ambry Genetics
Classification: Uncertain significance for Hereditary cancer-predisposing syndrome. Last evaluated: 2025-08-14. Review status: criteria provided, single submitter. Criteria: Ambry Variant Classification Scheme 2023. Collection method: clinical testing. Allele origin: germline.
Comment: The p.W116C variant (also known as c.348G>C), located in coding exon 3 of the SDHAF2 gene, results from a G to C substitution at nucleotide position 348. The tryptophan at codon 116 is replaced by cysteine, an amino acid with highly dissimilar properties. This amino acid position is highly conserved in available vertebrate species. In addition, this alteration is predicted to be deleterious by in silico analysis. Based on the available evidence, the clinical significance of this variant remains unclear.

Labcorp Genetics (formerly Invitae), Labcorp
Classification: Uncertain significance for Hereditary pheochromocytoma and paraganglioma. Last evaluated: 2024-02-23. Review status: criteria provided, single submitter. Criteria: Invitae Variant Classification Sherloc (09022015). Collection method: clinical testing. Allele origin: germline.
Comment: This sequence change replaces tryptophan, which is neutral and slightly polar, with cysteine, which is neutral and slightly polar, at codon 116 of the SDHAF2 protein (p.Trp116Cys). This variant is not present in population databases (gnomAD no frequency). This variant has not been reported in the literature in individuals affected with SDHAF2-related conditions. ClinVar contains an entry for this variant (Variation ID: 643314). An algorithm developed to predict the effect of missense changes on protein structure and function (PolyPhen-2) suggests that this variant is likely to be disruptive. In summary, the available evidence is currently insufficient to determine the role of this variant in disease. Therefore, it has been classified as a Variant of Uncertain Significance.

NM_017841.4(SDHAF2):c.348G>C (p.Trp116Cys)

Gene: SDHAF2 (succinate dehydrogenase complex assembly factor 2; plus strand). Cytogenetic location: 11q12.2.
Variant type: single nucleotide variant.
Coding change: c.348G>C on transcript NM_017841.4 (MANE Select); coding-DNA position 348, G replaced by C.
Protein change: p.Trp116Cys; replaces tryptophan 116 with cysteine.
Molecular consequence: missense variant.
Genome position (GRCh38, 1-based): chr11:61,438,091, G>C. VCF-style: chr11-61438091-G-C. GRCh37 (hg19) VCF-style: chr11-61205563-G-C.
Other names: short protein forms W116C.
Identifiers: ClinVar variation 643314 (VCV000643314.12), dbSNP rs1590765145, ClinGen allele CA380684206.